The following is an entry in ClinVar:

NM_001360.3(DHCR7):c.282G>A (p.Arg94=)

Gene: DHCR7 (7-dehydrocholesterol reductase; minus strand). Cytogenetic location: 11q13.4.
Variant type: single nucleotide variant.
Coding change: c.282G>A on transcript NM_001360.3 (MANE Select); coding-DNA position 282, G replaced by A.
Protein change: p.Arg94=; no amino-acid change (arginine 94 retained).
Molecular consequence: synonymous variant.
Genome position (GRCh38, 1-based): chr11:71,444,032, C>T on the plus strand (G>A on the coding strand, the complement: DHCR7 is on the minus strand). VCF-style: chr11-71444032-C-T. GRCh37 (hg19) VCF-style: chr11-71155078-C-T.
Other names: c.282G>A, p.Arg94= (NM_001163817.2).
Identifiers: ClinVar variation 767602 (VCV000767602.14), dbSNP rs541593878, ClinGen allele CA224280804.

ClinVar aggregate classification (germline): Likely benign. Review status: criteria provided, multiple submitters, no conflicts (2 of 4 stars). 3 submissions from 3 submitters: Likely benign (2). 1 of the submissions does not count toward it. Last evaluated 2026-06-01.

Conditions:
DHCR7-related disorder. Also called: DHCR7-related condition.
Smith-Lemli-Opitz syndrome (SLOS). Also called: LETHAL ACRODYSGENITAL SYNDROME; 7-Dehydrocholesterol reductase deficiency; POLYDACTYLY, SEX REVERSAL, RENAL HYPOPLASIA, AND UNILOBAR LUNG; RSH SYNDROME; RUTLEDGE LETHAL MULTIPLE CONGENITAL ANOMALY SYNDROME. Identifiers: Orphanet 818, MedGen C0175694, MONDO:0010035, OMIM 270400.

Allele frequency attached by ClinVar (database versions not stated): TOPMed below 0.00001.
gnomAD v4.1: 28 of 1,613,426 alleles (0.0017%); highest among the groups gnomAD compares: Non-Finnish European, 0.0024%; no homozygotes.

Submissions (3):

PreventionGenetics, part of Exact Sciences
Classification: Likely benign for DHCR7-related condition. Last evaluated: 2026-06-01. Review status: criteria provided, single submitter. Criteria: ACMG Guidelines, 2015. Collection method: clinical testing. Allele origin: germline.
Comment: This variant is classified as likely benign based on ACMG/AMP sequence variant interpretation guidelines (Richards et al. 2015 PMID: 25741868, with internal and published modifications).

Labcorp Genetics (formerly Invitae), Labcorp
Classification: Likely benign for Smith-Lemli-Opitz syndrome. Last evaluated: 2023-11-21. Review status: criteria provided, single submitter. Criteria: Invitae Variant Classification Sherloc (09022015). Collection method: clinical testing. Allele origin: germline.

Natera, Inc.
Classification: Likely benign for Smith-Lemli-Opitz syndrome. Last evaluated: 2021-05-31. Review status: no assertion criteria provided. Collection method: clinical testing. Allele origin: germline. Not counted in ClinVar's aggregate classification.